The following is an entry in ClinVar:

NM_000222.3(KIT):c.689C>T (p.Thr230Ile)

Gene: KIT (KIT proto-oncogene, receptor tyrosine kinase; plus strand). Cytogenetic location: 4q12.
Variant type: single nucleotide variant.
Coding change: c.689C>T on transcript NM_000222.3 (MANE Select); coding-DNA position 689, C replaced by T.
Protein change: p.Thr230Ile; replaces threonine 230 with isoleucine.
Molecular consequence: missense variant.
Genome position (GRCh38, 1-based): chr4:54,699,699, C>T. VCF-style: chr4-54699699-C-T. GRCh37 (hg19) VCF-style: chr4-55565865-C-T.
Other names: c.689C>T, p.Thr230Ile (NM_001385284.1, NM_001385285.1, NM_001385286.1 and 4 more transcripts); short protein forms T230I.
Identifiers: ClinVar variation 3590593 (VCV003590593.2).
Genomic context (GRCh38, chr4:54,699,699, plus strand): 5'-CTGTGCCTGTTGTGTCTGTGTCCAAAGCAAGCTATCTTCTTAGGGAAGGGGAAGAATTCA[C>T]AGTGACGTGCACAATAAAAGATGTGTCTAGTTCTGTGTACTCAACGTGGAAAAGAGAAAA-3'
Protein context (NP_000213.1, residues 220-240): SYLLREGEEF[Thr230Ile]VTCTIKDVSS

ClinVar aggregate classification (germline): Uncertain significance. Review status: criteria provided, multiple submitters, no conflicts (2 of 4 stars). 2 submissions from 2 submitters: Uncertain significance (2). Last evaluated 2026-02-17.

Conditions:
Hereditary cancer-predisposing syndrome. Also called: Neoplastic Syndromes, Hereditary; Tumor predisposition; Hereditary neoplastic syndrome; Hereditary Cancer Syndrome. Identifiers: Orphanet 140162, MedGen C0027672, MeSH D009386, MONDO:0015356.
Germ cell tumor of testis (TGCT). Also called: GERM CELL TUMOR, SOMATIC; Testicular germ cell tumor. Identifiers: Orphanet 363504, MedGen C1336708, MONDO:0010108, OMIM 273300.
Gastrointestinal stromal tumor. Also called: Gastrointestinal stromal tumor, somatic; Gastrointestinal stroma tumor. Identifiers: Orphanet 44890, MedGen C0238198, MeSH D046152, MONDO:0011719, OMIM 606764, HP:0100723.
Acute myeloid leukemia (AML). Also called: Acute myeloid leukemia, adult; AML adult; Acute non-lymphocytic leukemia; Acute granulocytic leukemia; Leukemia, acute myeloid, somatic; Leukemia, acute myelogenous, somatic. Identifiers: Orphanet 519, MedGen C0023467, MeSH D015470, MONDO:0018874, OMIM 601626, HP:0004808. Disease mechanism: Constitutively activated FLT3.
Cutaneous mastocytosis. Also called: MASTOCYTOSIS, MACULOPAPULAR CUTANEOUS. Identifiers: Orphanet 66646, MedGen C1136033, MONDO:0019023, OMIM 154800, HP:0200151.
Piebaldism. Also called: Piebald skin depigmentation. Identifiers: Orphanet 2884, MedGen C0080024, MONDO:0008244, OMIM 172800, HP:0007544.

gnomAD v4.1: 1 of 1,613,802 alleles (0.000062%); highest among the groups gnomAD compares: African/African-American, 0.0013%; no homozygotes.

Submissions (2):

Ambry Genetics
Classification: Uncertain significance for Hereditary cancer-predisposing syndrome. Last evaluated: 2026-02-17. Review status: criteria provided, single submitter. Criteria: Ambry Variant Classification Scheme 2023. Collection method: clinical testing. Allele origin: germline.
Comment: The p.T230I variant (also known as c.689C>T), located in coding exon 4 of the KIT gene, results from a C to T substitution at nucleotide position 689. The threonine at codon 230 is replaced by isoleucine, an amino acid with similar properties. This amino acid position is conserved. In addition, this alteration is predicted to be tolerated by in silico analysis. Based on the available evidence, the clinical significance of this variant remains unclear.

Fulgent Genetics
Classification: Uncertain significance for Cutaneous mastocytosis; Piebaldism; Germ cell tumor of testis; Acute myeloid leukemia; Gastrointestinal stromal tumor. Last evaluated: 2024-06-21. Review status: criteria provided, single submitter. Criteria: ACMG Guidelines, 2015. Collection method: clinical testing. Allele origin: germline.